The following is an entry in ClinVar:

ClinVar aggregate classification (germline): Benign/Likely benign. Review status: criteria provided, multiple submitters, no conflicts (2 of 4 stars). 2 submissions from 2 submitters: Benign (1); Likely benign (1). Last evaluated 2025-12-08.

Allele frequency attached by ClinVar (database versions not stated): 1000 Genomes Project 30x 0.00078; 1000 Genomes Project 0.00080; TOPMed 0.00092; ESP Exome Variant Server 0.00132; gnomAD 0.00175 and 0.00188; gnomAD exomes 0.00209; ExAC 0.00227.
gnomAD v4.1: 2,917 of 1,612,184 alleles (0.18%); highest among the groups gnomAD compares: Non-Finnish European, 0.17%; 10 homozygotes.

Submissions (2):

Labcorp Genetics (formerly Invitae), Labcorp
Classification: Benign. Last evaluated: 2025-12-08. Review status: criteria provided, single submitter. Criteria: Invitae Variant Classification Sherloc (09022015). Collection method: clinical testing. Allele origin: germline.

CeGaT Center for Human Genetics Tuebingen
Classification: Likely benign. Last evaluated: 2022-09-01. Review status: criteria provided, single submitter. Criteria: CeGaT Center For Human Genetics Tuebingen Variant Classification Criteria Version 2. Collection method: clinical testing. Allele origin: germline. Affected: yes. Observed: 1 variant allele.
Comment: H6PD: BP4, BP7

NM_004285.4(H6PD):c.1842G>A (p.Thr614=)

Gene: H6PD (hexose-6-phosphate dehydrogenase/glucose 1-dehydrogenase; plus strand). Cytogenetic location: 1p36.22.
Variant type: single nucleotide variant.
Coding change: c.1842G>A on transcript NM_004285.4 (MANE Select); coding-DNA position 1842, G replaced by A.
Protein change: p.Thr614=; no amino-acid change (threonine 614 retained).
Molecular consequence: synonymous variant.
Genome position (GRCh38, 1-based): chr1:9,264,335, G>A. VCF-style: chr1-9264335-G-A. GRCh37 (hg19) VCF-style: chr1-9324394-G-A.
Other names: c.1875G>A, p.Thr625= (NM_001282587.2).
Identifiers: ClinVar variation 730830 (VCV000730830.31), dbSNP rs150373672, ClinGen allele CA575440.
Genomic context (GRCh38, chr1:9,264,335, plus strand): 5'-CCCCGTGGCCCTGTTCCAGCAGCTGGCCACGGCGCACTATGGCTTCCCCTGGGCCCACAC[G>A]CACCTGTGGCTGGTTGACGAGCGCTGCGTCCCACTCTCAGACCCGGAGTCCAACTTCCAG-3'
Protein context (NP_004276.2, residues 604-624): TAHYGFPWAH[Thr614=]HLWLVDERCV